The following is an entry in ClinVar:

NM_014675.5(CROCC):c.4580A>C (p.Glu1527Ala)

Gene: CROCC (ciliary rootlet coiled-coil, rootletin; plus strand). Cytogenetic location: 1p36.13.
Variant type: single nucleotide variant.
Coding change: c.4580A>C on transcript NM_014675.5 (MANE Select); coding-DNA position 4580, A replaced by C.
Protein change: p.Glu1527Ala; replaces glutamic acid 1527 with alanine.
Molecular consequence: missense variant.
Genome position (GRCh38, 1-based): chr1:16,966,003, A>C. VCF-style: chr1-16966003-A-C. GRCh37 (hg19) VCF-style: chr1-17292498-A-C.
Other names: short protein forms E1527A.
Identifiers: ClinVar variation 2638378 (VCV002638378.24), dbSNP rs749106354, ClinGen allele CA635679.

ClinVar aggregate classification (germline): Likely benign (1 of 4 stars; one submission).

Allele frequency attached by ClinVar (database versions not stated): gnomAD exomes below 0.00001; ExAC 0.00001.
gnomAD v4.1: 5 of 1,612,446 alleles (0.00031%); highest among the groups gnomAD compares: South Asian, 0.0055%; no homozygotes.

Submission:

CeGaT Center for Human Genetics Tuebingen
Classification: Likely benign. Last evaluated: 2022-07-01. Review status: criteria provided, single submitter. Criteria: CeGaT Center For Human Genetics Tuebingen Variant Classification Criteria Version 2. Collection method: clinical testing. Allele origin: germline. Affected: yes. Observed: 1 variant allele.
Comment: CROCC: BP4